The following is an entry in ClinVar:

ClinVar aggregate classification (germline): Likely pathogenic (1 of 4 stars; one submission).

Submission:

Labcorp Genetics (formerly Invitae), Labcorp
Classification: Likely pathogenic. Last evaluated: 2024-03-19. Review status: criteria provided, single submitter. Criteria: Invitae Variant Classification Sherloc (09022015). Collection method: clinical testing. Allele origin: germline.
Comment: This sequence change affects an acceptor splice site in intron 1 of the WNT1 gene. It is expected to disrupt RNA splicing. Variants that disrupt the donor or acceptor splice site typically lead to a loss of protein function (PMID: 16199547), and loss-of-function variants in WNT1 are known to be pathogenic (PMID: 23434763, 23499309). This variant is not present in population databases (gnomAD no frequency). This variant has not been reported in the literature in individuals affected with WNT1-related conditions. Algorithms developed to predict the effect of sequence changes on RNA splicing suggest that this variant may disrupt the consensus splice site. In summary, the currently available evidence indicates that the variant is pathogenic, but additional data are needed to prove that conclusively. Therefore, this variant has been classified as Likely Pathogenic.

Literature cited by the submitters: PubMed 16199547; PubMed 23434763; PubMed 23499309.

NM_005430.4(WNT1):c.105-1G>A

Gene: WNT1 (Wnt family member 1; plus strand). Cytogenetic location: 12q13.12.
Variant type: single nucleotide variant.
Coding change: c.105-1G>A on transcript NM_005430.4 (MANE Select); the canonical splice acceptor site of the intron before coding-DNA position 105, G replaced by A.
Molecular consequence: splice acceptor variant.
Genome position (GRCh38, 1-based): chr12:48,979,467, G>A. VCF-style: chr12-48979467-G-A. GRCh37 (hg19) VCF-style: chr12-49373250-G-A.
Identifiers: ClinVar variation 3696211 (VCV003696211.2).